The following is an entry in ClinVar:

ClinVar aggregate classification (germline): Likely benign. Review status: criteria provided, multiple submitters, no conflicts (2 of 4 stars). 2 submissions from 2 submitters: Likely benign (2). Last evaluated 2026-04-08.

Conditions:
Charcot-Marie-Tooth disease type 4. Also called: Charcot-Marie-Tooth disease, type IV; Charcot-Marie-Tooth, Type 4. Identifiers: Orphanet 64749, MedGen C4082197, MONDO:0018995.
FGD4-related disorder. Also called: FGD4-related condition.

Allele frequency attached by ClinVar (database versions not stated): gnomAD exomes below 0.00001 and 0.00001; gnomAD 0.00003 and 0.00004; TOPMed 0.00003; ESP Exome Variant Server 0.00008.
gnomAD v4.1: 8 of 1,614,016 alleles (0.0005%); highest among the groups gnomAD compares: African/African-American, 0.0093%; no homozygotes.

Submissions (2):

PreventionGenetics, part of Exact Sciences
Classification: Likely benign for FGD4-related condition. Last evaluated: 2026-04-08. Review status: criteria provided, single submitter. Criteria: ACMG Guidelines, 2015. Collection method: clinical testing. Allele origin: germline.
Comment: This variant is classified as likely benign based on ACMG/AMP sequence variant interpretation guidelines (Richards et al. 2015 PMID: 25741868, with internal and published modifications).

Labcorp Genetics (formerly Invitae), Labcorp
Classification: Likely benign for Charcot-Marie-Tooth disease type 4. Last evaluated: 2023-12-23. Review status: criteria provided, single submitter. Criteria: Invitae Variant Classification Sherloc (09022015). Collection method: clinical testing. Allele origin: germline.

NM_001370298.3(FGD4):c.546G>A (p.Val182=)

Gene: FGD4 (FYVE, RhoGEF and PH domain containing 4; plus strand). Cytogenetic location: 12p11.21.
Variant type: single nucleotide variant.
Coding change: c.546G>A on transcript NM_001370298.3 (MANE Select); coding-DNA position 546, G replaced by A.
Protein change: p.Val182=; no amino-acid change (valine 182 retained).
Molecular consequence: synonymous variant. On other transcripts: 5 prime UTR variant (5), non-coding transcript variant (1), intron variant (1).
Genome position (GRCh38, 1-based): chr12:32,582,002, G>A. VCF-style: chr12-32582002-G-A. GRCh37 (hg19) VCF-style: chr12-32734936-G-A.
Other names: c.390G>A, p.Val130= (NM_001304481.2); c.-710G>A (NM_001304483.2); c.-1017G>A (NM_001304484.2); c.-145G>A (NM_001330373.2, NM_001330374.2, NM_001384130.1); c.546G>A, p.Val182= (NM_001384126.1); c.135G>A, p.Val45= (NM_001384127.1, NM_001384128.1, NM_001384131.1 and 3 more transcripts); c.49-16495G>A (NM_001370297.1).
Identifiers: ClinVar variation 1607099 (VCV001607099.9), dbSNP rs148304644, ClinGen allele CA235437726.